The following is an entry in ClinVar:

NM_005076.5(CNTN2):c.1076G>A (p.Arg359His)

Gene: CNTN2 (contactin 2; plus strand). Cytogenetic location: 1q32.1.
Variant type: single nucleotide variant.
Coding change: c.1076G>A on transcript NM_005076.5 (MANE Select); coding-DNA position 1076, G replaced by A.
Protein change: p.Arg359His; replaces arginine 359 with histidine.
Molecular consequence: missense variant. On other transcripts: non-coding transcript variant (1).
Genome position (GRCh38, 1-based): chr1:205,061,967, G>A. VCF-style: chr1-205061967-G-A. GRCh37 (hg19) VCF-style: chr1-205031095-G-A.
Other names: c.1076G>A, p.Arg359His (NM_001346083.2); short protein forms R359H.
Identifiers: ClinVar variation 1435584 (VCV001435584.5), dbSNP rs141879956, ClinGen allele CA36430651.

ClinVar aggregate classification (germline): Uncertain significance (1 of 4 stars; one submission).

Conditions:
Epilepsy, familial adult myoclonic, 5 (EPEO5). Also called: CORTICAL MYOCLONIC TREMOR WITH EPILEPSY, FAMILIAL, 5. Identifiers: Orphanet 86814, MedGen C3809374, MONDO:0014167, OMIM 615400.

Allele frequency attached by ClinVar (database versions not stated): gnomAD exomes 0.00002; TOPMed 0.00002; gnomAD 0.00001; ESP Exome Variant Server 0.00008.
gnomAD v4.1: 8 of 1,612,992 alleles (0.0005%); highest among the groups gnomAD compares: Admixed American, 0.0083%; no homozygotes.

Submission:

Labcorp Genetics (formerly Invitae), Labcorp
Classification: Uncertain significance for Epilepsy, familial adult myoclonic, 5. Last evaluated: 2022-02-04. Review status: criteria provided, single submitter. Criteria: Invitae Variant Classification Sherloc (09022015). Collection method: clinical testing. Allele origin: germline.
Comment: This sequence change replaces arginine, which is basic and polar, with histidine, which is basic and polar, at codon 359 of the CNTN2 protein (p.Arg359His). The frequency data for this variant in the population databases is considered unreliable, as metrics indicate poor data quality at this position in the gnomAD database. This variant has not been reported in the literature in individuals affected with CNTN2-related conditions. Advanced modeling of protein sequence and biophysical properties (such as structural, functional, and spatial information, amino acid conservation, physicochemical variation, residue mobility, and thermodynamic stability) performed at Invitae indicates that this missense variant is not expected to disrupt CNTN2 protein function. In summary, the available evidence is currently insufficient to determine the role of this variant in disease. Therefore, it has been classified as a Variant of Uncertain Significance.